The following is an entry in ClinVar:

NM_001130438.3(SPTAN1):c.428_431del (p.Ile143fs)

Gene: SPTAN1 (spectrin alpha, non-erythrocytic 1; plus strand). Cytogenetic location: 9q34.11.
Variant type: Deletion.
Coding change: c.428_431del on transcript NM_001130438.3 (MANE Select); coding-DNA positions 428 to 431, 4 bases deleted (TCAA; older notation c.428_431delTCAA).
Protein change: p.Ile143fs; shifts the reading frame from isoleucine 143.
Molecular consequence: frameshift variant.
Genome position (GRCh38, 1-based): chr9:128,574,739-128,574,742, TCAA deleted; deleting any 4 consecutive bases within chr9:128,574,737-128,574,742 gives the same sequence; the c. name uses the placement nearest the transcript's 3' end. VCF-style (leftmost placement, unchanged base first): chr9-128574736-GAATC-G. GRCh37 (hg19) VCF-style: chr9-131337015-GAATC-G.
Other names: c.428_431del, p.Ile143fs (NM_001195532.2, NM_001363759.2, NM_001363765.2 and 10 more transcripts); c.464_467del, p.Ile155fs (NM_001375312.2, NM_001375318.1, NM_001438440.1); short protein forms I143fs, I155fs.
Identifiers: ClinVar variation 4813703 (VCV004813703.1).
Genomic context (GRCh38, chr9:128,574,736, plus strand): 5'-CCCGTTTGATGGAGCTGCACCGCCAGTGGGAATTACTTTTGGAGAAGATGCGAGAAAAAG[GAATC>G]AAACTGCTGCAGGCCCAGAAGTTGGTGCAGTACTTACGAGAATGTGAGGACGTGATGGAC-3'

ClinVar aggregate classification (germline): Likely pathogenic (1 of 4 stars; one submission).

Conditions:
Autosomal dominant SPTAN1-related disorders.

Submission:

Variantyx, Inc.
Classification: Likely pathogenic for Autosomal dominant SPTAN1-related disorders. Last evaluated: 2025-12-08. Review status: criteria provided, single submitter. Criteria: Variantyx Assertion Criteria 2022. Collection method: clinical testing. Allele origin: germline. Inheritance: Autosomal recessive inheritance.
Comment: This is a frameshift variant in the SPTAN1 gene (OMIM: 182810). Pathogenic variants in this gene have been associated with autosomal dominant SPTAN1-related disorders. This variant introduces a premature termination codon in exon 4 out of 57 and is expected to result in loss of function, which is a known disease mechanism for SPTAN1 in this disorder (PMID: 31332438, 33206935) (PVS1). This variant is absent from control populations (PM2) and has not been reported in individuals with SPTAN1-related disorders in the databases available for review. Based on the current evidence, this variant is classified as likely pathogenic for autosomal dominant SPTAN1-related disorders.

Literature cited by the submitters: PubMed 31332438; PubMed 33206935.